The following is an entry in ClinVar:

ClinVar aggregate classification (germline): Uncertain significance (1 of 4 stars; one submission).

Submission:

Labcorp Genetics (formerly Invitae), Labcorp
Classification: Uncertain significance. Last evaluated: 2023-09-01. Review status: criteria provided, single submitter. Criteria: Invitae Variant Classification Sherloc (09022015). Collection method: clinical testing. Allele origin: germline.
Comment: In summary, the available evidence is currently insufficient to determine the role of this variant in disease. Therefore, it has been classified as a Variant of Uncertain Significance. Advanced modeling of protein sequence and biophysical properties (such as structural, functional, and spatial information, amino acid conservation, physicochemical variation, residue mobility, and thermodynamic stability) performed at Invitae indicates that this missense variant is not expected to disrupt PLS3 protein function. This variant has not been reported in the literature in individuals affected with PLS3-related conditions. This variant is not present in population databases (gnomAD no frequency). This sequence change replaces glutamic acid, which is acidic and polar, with lysine, which is basic and polar, at codon 138 of the PLS3 protein (p.Glu138Lys).

NM_005032.7(PLS3):c.412G>A (p.Glu138Lys)

Gene: PLS3 (plastin 3; plus strand). Cytogenetic location: Xq23.
Variant type: single nucleotide variant.
Coding change: c.412G>A on transcript NM_005032.7 (MANE Select); coding-DNA position 412, G replaced by A.
Protein change: p.Glu138Lys; replaces glutamic acid 138 with lysine.
Molecular consequence: missense variant.
Genome position (GRCh38, 1-based): chrX:115,629,879, G>A. VCF-style: chrX-115629879-G-A. GRCh37 (hg19) VCF-style: chrX-114864191-G-A.
Other names: c.412G>A, p.Glu138Lys (NM_001136025.5); c.331G>A, p.Glu111Lys (NM_001172335.3); c.346G>A, p.Glu116Lys (NM_001282337.2); c.277G>A, p.Glu93Lys (NM_001282338.2); short protein forms E138K, E111K, E116K, E93K.
Identifiers: ClinVar variation 2757377 (VCV002757377.3), dbSNP rs2521414756, ClinGen allele CA414333426.